The following is an entry in ClinVar:

ClinVar aggregate classification (germline): Likely pathogenic (1 of 4 stars; one submission).

Conditions:
Autosomal recessive polycystic kidney disease (ARPKD). Also called: AR polycystic kidney disease. Identifiers: Orphanet 731, Orphanet 8378, MedGen C0085548, MeSH D017044, MONDO:0009889.

Submission:

Natera, Inc.
Classification: Likely pathogenic for Autosomal recessive polycystic kidney disease. Last evaluated: 2024-03-11. Review status: criteria provided, single submitter. Criteria: Natera Variant Classification Schema (03/2026). Collection method: clinical testing. Allele origin: germline.
Comment: The c.131-1G>T variant in PKHD1 is a canonical splice acceptor site variant predicted to affect pre-mRNA splicing, which may result in an abnormal transcript and altered protein product. This variant is expected to result in nonsense mediated decay, truncation, or a dysfunctional protein product. This variant is rare in the general population with a frequency below the threshold expected for the associated phenotype(s). Given the available evidence, this variant is classified as Likely Pathogenic.

NM_138694.4(PKHD1):c.131-1G>T

Gene: PKHD1 (PKHD1 ciliary IPT domain containing fibrocystin/polyductin; minus strand). Cytogenetic location: 6p12.2.
Variant type: single nucleotide variant.
Coding change: c.131-1G>T on transcript NM_138694.4 (MANE Select); the canonical splice acceptor site of the intron before coding-DNA position 131, G replaced by T.
Molecular consequence: splice acceptor variant.
Genome position (GRCh38, 1-based): chr6:52,082,543, C>A on the plus strand (G>T on the coding strand, the complement: PKHD1 is on the minus strand). VCF-style: chr6-52082543-C-A. GRCh37 (hg19) VCF-style: chr6-51947341-C-A.
Other names: c.131-1G>T (NM_170724.3).
Identifiers: ClinVar variation 4816575 (VCV004816575.1).